The following is an entry in ClinVar:

ClinVar aggregate classification (germline): Uncertain significance (1 of 4 stars; one submission).

Conditions:
Cardiovascular phenotype. Identifiers: MedGen CN230736.

gnomAD v4.1: 1 of 1,613,844 alleles (0.000062%); highest among the groups gnomAD compares: Non-Finnish European, 0.000085%; no homozygotes.

Submission:

Ambry Genetics
Classification: Uncertain significance for Cardiovascular phenotype. Last evaluated: 2025-09-07. Review status: criteria provided, single submitter. Criteria: Ambry Variant Classification Scheme 2023. Collection method: clinical testing. Allele origin: germline.
Comment: The p.E3009K variant (also known as c.9025G>A), located in coding exon 25 of the TNXB gene, results from a G to A substitution at nucleotide position 9025. The glutamic acid at codon 3009 is replaced by lysine, an amino acid with similar properties. This amino acid position is conserved. In addition, this alteration is predicted to be tolerated by in silico analysis. Based on the available evidence, the clinical significance of this variant remains unclear.

NM_001365276.2(TNXB):c.9031G>A (p.Glu3011Lys)

Gene: TNXB (tenascin XB; minus strand). Cytogenetic location: 6p21.33.
Variant type: single nucleotide variant.
Coding change: c.9031G>A on transcript NM_001365276.2 (MANE Select); coding-DNA position 9031, G replaced by A.
Protein change: p.Glu3011Lys; replaces glutamic acid 3011 with lysine.
Molecular consequence: missense variant.
Genome position (GRCh38, 1-based): chr6:32,052,754, C>T on the plus strand (G>A on the coding strand, the complement: TNXB is on the minus strand). VCF-style: chr6-32052754-C-T. GRCh37 (hg19) VCF-style: chr6-32020531-C-T.
Other names: c.9025G>A, p.Glu3009Lys (NM_019105.8); c.9772G>A, p.Glu3258Lys (NM_001428335.1); short protein forms E3009K, E3011K, E3258K.
Identifiers: ClinVar variation 4188738 (VCV004188738.1).
Genomic context (GRCh38, chr6:32,052,754, plus strand): 5'-GGCCCACGCGCTGCCCCTCGTGGAGGCCGTACAGGTGCATCTTGTATTTGCACCCGGGCT[C>T]CAGGCCCCCCACGGTGACCTCGCTCTCCTCGCCCCTGACACGCACCACCTGGGGCCGCCC-3'
Protein context (NP_001352205.1, residues 3001-3021): EESEVTVGGL[Glu3011Lys]PGCKYKMHLY